The following is an entry in ClinVar:

ClinVar aggregate classification (germline): Uncertain significance (1 of 4 stars; one submission).

Conditions:
Mosaic variegated aneuploidy syndrome 1 (MVA1). Also called: Warburton-Anyane-Yeboa syndrome. Identifiers: Orphanet 1052, MedGen C1850343, MONDO:0009759, OMIM 257300.

Submission:

Labcorp Genetics (formerly Invitae), Labcorp
Classification: Uncertain significance for Mosaic variegated aneuploidy syndrome 1. Last evaluated: 2023-09-26. Review status: criteria provided, single submitter. Criteria: Invitae Variant Classification Sherloc (09022015). Collection method: clinical testing. Allele origin: germline.
Comment: This sequence change falls in intron 16 of the BUB1B gene. It does not directly change the encoded amino acid sequence of the BUB1B protein. Information on the frequency of this variant in the gnomAD database is not available, as this variant may be reported differently in the database. This variant has not been reported in the literature in individuals affected with BUB1B-related conditions. Experimental studies and prediction algorithms are not available or were not evaluated, and the effect of this variant on mRNA splicing is currently unknown. In summary, the available evidence is currently insufficient to determine the role of this variant in disease. Therefore, it has been classified as a Variant of Uncertain Significance.

NM_001211.6(BUB1B):c.2143+15_2143+16delinsTT

Gene: BUB1B (BUB1 mitotic checkpoint serine/threonine kinase B; plus strand). Cytogenetic location: 15q15.1.
Variant type: Indel.
Coding change: c.2143+15_2143+16delinsTT on transcript NM_001211.6 (MANE Select); bases 15 to 16 of the intron after coding-DNA position 2143, CC replaced by TT.
Molecular consequence: intron variant.
Genome position (GRCh38, 1-based): chr15:40,208,785-40,208,786, CC replaced by TT. VCF-style: chr15-40208785-CC-TT. GRCh37 (hg19) VCF-style: chr15-40500986-CC-TT.
Identifiers: ClinVar variation 2763349 (VCV002763349.3), dbSNP rs2542569955, ClinGen allele CA2697554354.
Genomic context (GRCh38, chr15:40,208,785, plus strand): 5'-TGTCTTCAAATTCCTGAGAAACTAGAACTTACTAATGAGACTTCAGGTAGGATATACATA[CC>TT]ACTATATCCATGCCTAGTGAACACTTGTTTATCTCAGCAAACTGAGCTGTATGTTTTTCT-3'